The following is an entry in ClinVar:

ClinVar aggregate classification (germline): Uncertain significance (1 of 4 stars; one submission).

Conditions:
Ehlers-Danlos syndrome, dermatosparaxis type. Also called: Dermatosparaxis; Ehlers-Danlos syndrome, type VII, autosomal recessive; EDS VIIC. Identifiers: Orphanet 1901, MedGen C2700425, MONDO:0009161, OMIM 225410.

Allele frequency attached by ClinVar (database versions not stated): gnomAD exomes below 0.00001.
gnomAD v4.1: 2 of 1,614,080 alleles (0.00012%); highest among the groups gnomAD compares: Non-Finnish European, 0.00017%; no homozygotes.

Submission:

Labcorp Genetics (formerly Invitae), Labcorp
Classification: Uncertain significance for Ehlers-Danlos syndrome, dermatosparaxis type. Last evaluated: 2021-09-17. Review status: criteria provided, single submitter. Criteria: Invitae Variant Classification Sherloc (09022015). Collection method: clinical testing. Allele origin: germline.
Comment: This sequence change replaces glutamic acid with lysine at codon 1131 of the ADAMTS2 protein (p.Glu1131Lys). The glutamic acid residue is moderately conserved and there is a small physicochemical difference between glutamic acid and lysine. This variant is not present in population databases (ExAC no frequency). This variant has not been reported in the literature in individuals with ADAMTS2-related conditions. Algorithms developed to predict the effect of missense changes on protein structure and function (SIFT, PolyPhen-2, Align-GVGD) all suggest that this variant is likely to be tolerated, but these predictions have not been confirmed by published functional studies and their clinical significance is uncertain. In summary, the available evidence is currently insufficient to determine the role of this variant in disease. Therefore, it has been classified as a Variant of Uncertain Significance.

NM_014244.5(ADAMTS2):c.3391G>A (p.Glu1131Lys)

Gene: ADAMTS2 (ADAM metallopeptidase with thrombospondin type 1 motif 2; minus strand). Cytogenetic location: 5q35.3.
Variant type: single nucleotide variant.
Coding change: c.3391G>A on transcript NM_014244.5 (MANE Select); coding-DNA position 3391, G replaced by A.
Protein change: p.Glu1131Lys; replaces glutamic acid 1131 with lysine.
Molecular consequence: missense variant.
Genome position (GRCh38, 1-based): chr5:179,114,112, C>T on the plus strand (G>A on the coding strand, the complement: ADAMTS2 is on the minus strand). VCF-style: chr5-179114112-C-T. GRCh37 (hg19) VCF-style: chr5-178541113-C-T.
Other names: short protein forms E1131K.
Identifiers: ClinVar variation 1383217 (VCV001383217.5), dbSNP rs2113161430, ClinGen allele CA362411659.